The following is an entry in ClinVar:

ClinVar aggregate classification (germline): Conflicting classifications of pathogenicity. Review status: criteria provided, conflicting classifications (1 of 4 stars). 2 submissions from 2 submitters: Likely pathogenic (1); Uncertain significance (1). Last evaluated 2025-09-10.

Conditions:
Spondylocarpotarsal synostosis syndrome (SCT). Also called: SPONDYLOCARPOTARSAL SYNDROME; Spondylocarpotarsal Synostosis Syndrome (FLNB-SCT); VERTEBRAL FUSION WITH CARPAL COALITION; Synspondylism congenital; Scoliosis, congenital with unilateral unsegmented bar. Identifiers: Orphanet 3275, MedGen C1848934, MONDO:0010094, OMIM 272460.

Submissions (2):

Labcorp Genetics (formerly Invitae), Labcorp
Classification: Uncertain significance. Last evaluated: 2025-09-10. Review status: criteria provided, single submitter. Criteria: Invitae Variant Classification Sherloc (09022015). Collection method: clinical testing. Allele origin: germline.
Comment: This sequence change replaces glycine, which is neutral and non-polar, with arginine, which is basic and polar, at codon 383 of the FLNB protein (p.Gly383Arg). This variant also falls at the last nucleotide of exon 7, which is part of the consensus splice site for this exon. This variant is not present in population databases (gnomAD no frequency). This variant has not been reported in the literature in individuals affected with FLNB-related conditions. ClinVar contains an entry for this variant (Variation ID: 3376742). An algorithm developed to predict the effect of missense changes on protein structure and function (PolyPhen-2) suggests that this variant is likely to be disruptive. Variants that disrupt the consensus splice site are a relatively common cause of aberrant splicing (PMID: 17576681, 9536098). Algorithms developed to predict the effect of sequence changes on RNA splicing suggest that this variant may disrupt the consensus splice site. In summary, the available evidence is currently insufficient to determine the role of this variant in disease. Therefore, it has been classified as a Variant of Uncertain Significance.

Victorian Clinical Genetics Services, Murdoch Childrens Research Institute
Classification: Likely pathogenic for Spondylocarpotarsal synostosis syndrome. Last evaluated: 2023-07-17. Review status: criteria provided, single submitter. Criteria: ACMG Guidelines, 2015. Collection method: clinical testing. Allele origin: germline. Inheritance: Autosomal recessive inheritance. Affected: yes.
Comment: Based on the classification scheme VCGS_Germline_v1.3.4, this variant is classified as Like pathogenic. Following criteria are met: 0103 - Both loss- and gain-of-function are known mechanisms of disease for this gene. Protein-truncating or nonsense mediated decay (NMD) predicted variants are associated with a loss-of-function mechanism, and missense and small in-frame deletion or insertion variants are associated with a gain-of-function mechanism (PMID: 29566257, 22190451, 31836586). (I) 0108 - This gene is known to be associated with both recessive and dominant disease. The recessive condition is caused by biallelic loss-of-function variants and is associated with spondylocarpotarsal synostosis syndrome (MIM#272460). The autosomal dominant FLNB-related disorders (MIM#108720, MIM#108721, MIM#112310, MIM#150250) are mostly caused by gain-of-function variants (PMIDs: 29566257, 22190451). (I) 0200 - Variant is predicted to result in a missense amino acid change from glycine to arginine. (I) 0251 - This variant is heterozygous. (I) 0301 - Variant is absent from gnomAD (both v2 and v3). (SP) 0309 - An alternative amino acid change at the same position has been observed in gnomAD (v2) (3 heterozygotes, 0 homozygotes). (I) 0501 - Missense variant consistently predicted to be damaging by multiple in silico tools or highly conserved with a major amino acid change. Additionally, as this variant is located close to the intron-exon boundary, splice in silicos also predict an effect on splicing. (SP) 0600 - Variant is located in the annotated filamin/ABP280 repeat domain (DECIPHER). (I) 0710 - Another missense variant comparable to the one identified in this case has inconclusive previous evidence for pathogenicity. This alternative change (p.(Gly383Glu)) has been reported as a VUS (ClinVar). (I) 0807 - This variant has no previous evidence of pathogenicity. (I) 0905 - No published segregation evidence has been identified for this variant. (I) 1007 - No published functional evidence has been identified for this variant. (I) 1102 - Strong phenotype match for this individual. (I) Legend: (SP) - Supporting pathogenic, (I) - Information, (SB) - Supporting benign

Literature cited by the submitters: PubMed 17576681 (cited by Labcorp Genetics (formerly Invitae), Labcorp); PubMed 9536098 (cited by Labcorp Genetics (formerly Invitae), Labcorp); PubMed 22190451 (cited by Victorian Clinical Genetics Services, Murdoch Childrens Research Institute); PubMed 29566257 (cited by Victorian Clinical Genetics Services, Murdoch Childrens Research Institute); PubMed 31836586 (cited by Victorian Clinical Genetics Services, Murdoch Childrens Research Institute).

NM_001457.4(FLNB):c.1147G>A (p.Gly383Arg)

Gene: FLNB (filamin B; plus strand). Cytogenetic location: 3p14.3.
Variant type: single nucleotide variant.
Coding change: c.1147G>A on transcript NM_001457.4 (MANE Select); coding-DNA position 1147, G replaced by A.
Protein change: p.Gly383Arg; replaces glycine 383 with arginine.
Molecular consequence: missense variant.
Genome position (GRCh38, 1-based): chr3:58,097,977, G>A. VCF-style: chr3-58097977-G-A. GRCh37 (hg19) VCF-style: chr3-58083704-G-A.
Other names: c.1147G>A, p.Gly383Arg (NM_001164317.2, NM_001164318.2, NM_001164319.2); short protein forms G383R.
Identifiers: ClinVar variation 3376742 (VCV003376742.3).